The following is an entry in ClinVar:

ClinVar aggregate classification (germline): Uncertain significance (1 of 4 stars; one submission).

Conditions:
Spondyloepimetaphyseal dysplasia, PAPSS2 type. Also called: BRACHYOLMIA TYPE 4 WITH MILD EPIPHYSEAL AND METAPHYSEAL CHANGES; SPONDYLODYSPLASIA AND PREMATURE PUBARCHE; SEMD, PAKISTANI TYPE. Identifiers: Orphanet 93282, MedGen C2748516, MONDO:0019666, OMIM 612847.

Submission:

Labcorp Genetics (formerly Invitae), Labcorp
Classification: Uncertain significance for Spondyloepimetaphyseal dysplasia, PAPSS2 type. Last evaluated: 2022-06-03. Review status: criteria provided, single submitter. Criteria: Invitae Variant Classification Sherloc (09022015). Collection method: clinical testing. Allele origin: germline.
Comment: In summary, the available evidence is currently insufficient to determine the role of this variant in disease. Therefore, it has been classified as a Variant of Uncertain Significance. This sequence change replaces glutamine, which is neutral and polar, with arginine, which is basic and polar, at codon 12 of the PAPSS2 protein (p.Gln12Arg). This variant is not present in population databases (gnomAD no frequency). This variant has not been reported in the literature in individuals affected with PAPSS2-related conditions. Algorithms developed to predict the effect of missense changes on protein structure and function are either unavailable or do not agree on the potential impact of this missense change (SIFT: "Deleterious"; PolyPhen-2: "Benign"; Align-GVGD: "Class C0").

NM_001015880.2(PAPSS2):c.35A>G (p.Gln12Arg)

Gene: PAPSS2 (3'-phosphoadenosine 5'-phosphosulfate synthase 2; plus strand). Cytogenetic location: 10q23.31.
Variant type: single nucleotide variant.
Coding change: c.35A>G on transcript NM_001015880.2 (MANE Select); coding-DNA position 35, A replaced by G.
Protein change: p.Gln12Arg; replaces glutamine 12 with arginine.
Molecular consequence: missense variant.
Genome position (GRCh38, 1-based): chr10:87,709,203, A>G. VCF-style: chr10-87709203-A-G. GRCh37 (hg19) VCF-style: chr10-89468960-A-G.
Other names: c.35A>G, p.Gln12Arg (NM_004670.4); short protein forms Q12R.
Identifiers: ClinVar variation 1998630 (VCV001998630.4), dbSNP rs2492816397, ClinGen allele CA377485143.